The following is an entry in ClinVar:

ClinVar aggregate classification (germline): Benign/Likely benign. Review status: criteria provided, multiple submitters, no conflicts (2 of 4 stars). 7 submissions from 6 submitters: Benign (6); Likely benign (1). Last evaluated 2026-05-09.

Conditions:
Syndromic microphthalmia type 5 (MCOPS5). Also called: RETINAL DYSTROPHY, EARLY-ONSET, WITH PITUITARY DYSFUNCTION; RETINAL DYSTROPHY, EARLY-ONSET, WITHOUT PITUITARY DYSFUNCTION. Identifiers: Orphanet 178364, MedGen C1864690, MONDO:0012413, OMIM 610125.
Pituitary hormone deficiency, combined, 6. Identifiers: MedGen C3151440, MONDO:0013518, OMIM 613986.

Allele frequency attached by ClinVar (database versions not stated): 1000 Genomes Project 0.03155; 1000 Genomes Project 30x 0.03264; gnomAD 0.06187 and 0.06420; TOPMed 0.06392; gnomAD exomes 0.06484 and 0.08562; ESP Exome Variant Server 0.06566; ExAC 0.06623.
gnomAD v4.1: 133,979 of 1,613,006 alleles (8.3%); highest among the groups gnomAD compares: Non-Finnish European, 9.9%; 6,404 homozygotes.

Submissions (7):

Women's Health and Genetics/Laboratory Corporation of America, LabCorp
Classification: Benign. Last evaluated: 2026-05-09. Review status: criteria provided, single submitter. Criteria: LabCorp Variant Classification Summary - May 2015. Collection method: clinical testing. Allele origin: germline.

Blueprint Genetics
Classification: Benign. Last evaluated: 2024-11-27. Review status: criteria provided, single submitter. Criteria: ACMG Guidelines, 2015. Collection method: clinical testing. Allele origin: germline.

Illumina Laboratory Services, Illumina
Classification: Benign for Syndromic microphthalmia type 5. Last evaluated: 2018-01-13. Review status: criteria provided, single submitter. Criteria: ICSL Variant Classification Criteria 13 December 2019. Collection method: clinical testing. Allele origin: germline.
Comment: This variant was observed in the ICSL laboratory as part of a predisposition screen in an ostensibly healthy population. It had not been previously curated by ICSL or reported in the Human Gene Mutation Database (HGMD: prior to June 1st, 2018), and was therefore a candidate for classification through an automated scoring system. Utilizing variant allele frequency, disease prevalence and penetrance estimates, and inheritance mode, an automated score was calculated to assess if this variant is too frequent to cause the disease. Based on the score and internal cut-off values, a variant classified as benign is not then subjected to further curation. The score for this variant resulted in a classification of benign for this disease.

Illumina Laboratory Services, Illumina
Classification: Benign for Pituitary hormone deficiency, combined, 6. Last evaluated: 2018-01-13. Review status: criteria provided, single submitter. Criteria: ICSL Variant Classification Criteria 13 December 2019. Collection method: clinical testing. Allele origin: germline.
Comment: the same text as in the submission from Illumina Laboratory Services, Illumina above.

Eurofins Ntd Llc (ga)
Classification: Benign. Last evaluated: 2016-06-20. Review status: criteria provided, single submitter. Criteria: EGL Classification Definitions 2015. Collection method: clinical testing. Allele origin: germline. Observed: 3 variant alleles, 3 heterozygotes.

GeneDx
Classification: Benign. Last evaluated: 2015-03-03. Review status: criteria provided, single submitter. Criteria: GeneDx Variant Classification Process June 2021. Collection method: clinical testing. Allele origin: germline. Affected: yes.

Breakthrough Genomics
Classification: Likely benign. Review status: criteria provided, single submitter. Criteria: ACMG Guidelines, 2015. Collection method: not provided. Allele origin: germline. Inheritance: Autosomal dominant inheritance. Affected: yes.

NM_021728.4(OTX2):c.*10G>A

Gene: OTX2 (orthodenticle homeobox 2; minus strand). Cytogenetic location: 14q22.3.
Variant type: single nucleotide variant.
Coding change: c.*10G>A on transcript NM_021728.4 (MANE Select); 10 bases downstream of the stop codon, G replaced by A.
Molecular consequence: 3 prime UTR variant. On other transcripts: non-coding transcript variant (2).
Genome position (GRCh38, 1-based): chr14:56,801,725, C>T on the plus strand (G>A on the coding strand, the complement: OTX2 is on the minus strand). VCF-style: chr14-56801725-C-T. GRCh37 (hg19) VCF-style: chr14-57268443-C-T.
Other names: c.*10G>A (NM_001270523.2, NM_001270524.2, NM_001270525.2 and 1 more transcripts).
Identifiers: ClinVar variation 288866 (VCV000288866.15), dbSNP rs171978, ClinGen allele CA7200411.
Genomic context (GRCh38, chr14:56,801,725, plus strand): 5'-CCTGGCTAAAACTGGAATGTCCAGCCCAGTATATTTAAAAATCACCCACAAAAAGAGGTT[C>T]TACAGGTCTTCACAAAACCTGGAATTTCCACGAGGATGTCTGATCTTTATAATCCAAGCA-3'